The following is an entry in ClinVar:

ClinVar aggregate classification (germline): Uncertain significance. Review status: criteria provided, multiple submitters, no conflicts (2 of 4 stars). 2 submissions from 2 submitters: Uncertain significance (2). Last evaluated 2025-06-30.

Conditions:
Inborn genetic diseases. Identifiers: MedGen C0950123, MeSH D030342.

Allele frequency attached by ClinVar (database versions not stated): gnomAD 0.00001; gnomAD exomes 0.00001; ExAC 0.00002; TOPMed 0.00002.
gnomAD v4.1: 23 of 1,608,246 alleles (0.0014%); highest among the groups gnomAD compares: Middle Eastern, 0.016%; no homozygotes.

Submissions (2):

Ambry Genetics
Classification: Uncertain significance for Inborn genetic diseases. Last evaluated: 2025-06-30. Review status: criteria provided, single submitter. Criteria: Ambry Variant Classification Scheme 2023. Collection method: clinical testing. Allele origin: germline.

Labcorp Genetics (formerly Invitae), Labcorp
Classification: Uncertain significance. Last evaluated: 2024-09-23. Review status: criteria provided, single submitter. Criteria: Invitae Variant Classification Sherloc (09022015). Collection method: clinical testing. Allele origin: germline.
Comment: This sequence change replaces glycine, which is neutral and non-polar, with serine, which is neutral and polar, at codon 732 of the CAMTA1 protein (p.Gly732Ser). This variant is present in population databases (rs751420139, gnomAD 0.005%). This variant has not been reported in the literature in individuals affected with CAMTA1-related conditions. ClinVar contains an entry for this variant (Variation ID: 2419786). An algorithm developed to predict the effect of missense changes on protein structure and function outputs the following: PolyPhen-2: "Benign". The serine amino acid residue is found in multiple mammalian species, which suggests that this missense change does not adversely affect protein function. In summary, the available evidence is currently insufficient to determine the role of this variant in disease. Therefore, it has been classified as a Variant of Uncertain Significance.

NM_015215.4(CAMTA1):c.2194G>A (p.Gly732Ser)

Gene: CAMTA1 (calmodulin binding transcription activator 1; plus strand). Cytogenetic location: 1p36.23.
Variant type: single nucleotide variant.
Coding change: c.2194G>A on transcript NM_015215.4 (MANE Select); coding-DNA position 2194, G replaced by A.
Protein change: p.Gly732Ser; replaces glycine 732 with serine.
Molecular consequence: missense variant.
Genome position (GRCh38, 1-based): chr1:7,664,741, G>A. VCF-style: chr1-7664741-G-A. GRCh37 (hg19) VCF-style: chr1-7724801-G-A.
Other names: c.2104G>A, p.Gly702Ser (NM_001349608.2, NM_001349612.2); c.2194G>A, p.Gly732Ser (NM_001349609.2, NM_001349610.2, NM_001410737.1); c.2122G>A, p.Gly708Ser (NM_001410738.1); c.2194G>A (NM_015215.2); short protein forms G702S, G708S, G732S.
Identifiers: ClinVar variation 2419786 (VCV002419786.7), dbSNP rs751420139, ClinGen allele CA566588.